The following is an entry in ClinVar:

NM_000138.5(FBN1):c.1435G>T (p.Gly479Trp)

Gene: FBN1 (fibrillin 1; minus strand). Cytogenetic location: 15q21.1.
Variant type: single nucleotide variant.
Coding change: c.1435G>T on transcript NM_000138.5 (MANE Select); coding-DNA position 1435, G replaced by T.
Protein change: p.Gly479Trp; replaces glycine 479 with tryptophan.
Molecular consequence: missense variant.
Genome position (GRCh38, 1-based): chr15:48,515,420, C>A on the plus strand (G>T on the coding strand, the complement: FBN1 is on the minus strand). VCF-style: chr15-48515420-C-A. GRCh37 (hg19) VCF-style: chr15-48807617-C-A.
Other names: c.1435G>T, p.Gly479Trp (NM_001406716.1); short protein forms G479W.
Identifiers: ClinVar variation 1772610 (VCV001772610.3), dbSNP rs2505617454, ClinGen allele CA392343710.
Genomic context (GRCh38, chr15:48,515,420, plus strand): 5'-GGTGCCAACCTAGGATGGATCACGTACCAATACACTCCCCACGGAGGTCCAGCTGGAACC[C>A]TTTGTTGCACTCACACCGGTAACTCCCAGGAGTTGGAATGCAGCGTCCATTTTGACAGAG-3'
Protein context (NP_000129.3, residues 469-489): PGSYRCECNK[Gly479Trp]FQLDLRGECI

ClinVar aggregate classification (germline): Uncertain significance (1 of 4 stars; one submission).

Conditions:
Familial thoracic aortic aneurysm and aortic dissection (TAAD). Also called: Thoracic aortic aneurysms and dissections. Identifiers: Orphanet 91387, MedGen C4707243, MONDO:0019625.

Submission:

Ambry Genetics
Classification: Uncertain significance for Familial thoracic aortic aneurysm and aortic dissection. Last evaluated: 2024-06-25. Review status: criteria provided, single submitter. Criteria: Ambry Variant Classification Scheme 2023. Collection method: clinical testing. Allele origin: germline.
Comment: The p.G479W variant (also known as c.1435G>T), located in coding exon 11 of the FBN1 gene, results from a G to T substitution at nucleotide position 1435. The glycine at codon 479 is replaced by tryptophan, an amino acid with highly dissimilar properties. This amino acid position is highly conserved in available vertebrate species. In addition, this alteration is predicted to be deleterious by in silico analysis. Based on the available evidence, the clinical significance of this variant remains unclear.